The following is an entry in ClinVar:

NM_000430.4(PAFAH1B1):c.563T>C (p.Met188Thr)

Gene: PAFAH1B1 (platelet activating factor acetylhydrolase 1b regulatory subunit 1; plus strand). Cytogenetic location: 17p13.3.
Variant type: single nucleotide variant.
Coding change: c.563T>C on transcript NM_000430.4 (MANE Select); coding-DNA position 563, T replaced by C.
Protein change: p.Met188Thr; replaces methionine 188 with threonine.
Molecular consequence: missense variant.
Genome position (GRCh38, 1-based): chr17:2,670,326, T>C. VCF-style: chr17-2670326-T-C. GRCh37 (hg19) VCF-style: chr17-2573620-T-C.
Other names: short protein forms M188T.
Identifiers: ClinVar variation 1403349 (VCV001403349.8), dbSNP rs1478372648, ClinGen allele CA397640440.

ClinVar aggregate classification (germline): Uncertain significance (1 of 4 stars; one submission).

Allele frequency attached by ClinVar (database versions not stated): TOPMed 0.00001.

Submission:

Labcorp Genetics (formerly Invitae), Labcorp
Classification: Uncertain significance. Last evaluated: 2021-06-29. Review status: criteria provided, single submitter. Criteria: Invitae Variant Classification Sherloc (09022015). Collection method: clinical testing. Allele origin: germline.
Comment: This sequence change replaces methionine with threonine at codon 188 of the PAFAH1B1 protein (p.Met188Thr). The methionine residue is highly conserved and there is a moderate physicochemical difference between methionine and threonine. This variant is not present in population databases (ExAC no frequency). This variant has not been reported in the literature in individuals with PAFAH1B1-related conditions. Algorithms developed to predict the effect of missense changes on protein structure and function are either unavailable or do not agree on the potential impact of this missense change (SIFT: "Deleterious"; PolyPhen-2: "Benign"; Align-GVGD: "Class C45"). In summary, the available evidence is currently insufficient to determine the role of this variant in disease. Therefore, it has been classified as a Variant of Uncertain Significance.